The following is an entry in ClinVar:

ClinVar aggregate classification (germline): Uncertain significance (1 of 4 stars; one submission).

Conditions:
Cardiovascular phenotype. Identifiers: MedGen CN230736.

Submission:

Ambry Genetics
Classification: Uncertain significance for Cardiovascular phenotype. Last evaluated: 2026-01-07. Review status: criteria provided, single submitter. Criteria: Ambry Variant Classification Scheme 2023. Collection method: clinical testing. Allele origin: germline.
Comment: The c.1462-5T>C intronic variant results from a T to C substitution 5 nucleotides upstream from coding exon 5 in the KCND3 gene. This nucleotide position is well conserved in available vertebrate species. In silico splice site analysis predicts that this alteration will not have any significant effect on splicing. Based on the available evidence, the clinical significance of this variant remains unclear.

NM_001378969.1(KCND3):c.1462-5T>C

Gene: KCND3 (potassium voltage-gated channel subfamily D member 3; minus strand). Cytogenetic location: 1p13.2.
Variant type: single nucleotide variant.
Coding change: c.1462-5T>C on transcript NM_001378969.1 (MANE Select); 5 bases into the intron before coding-DNA position 1462, T replaced by C.
Molecular consequence: intron variant.
Genome position (GRCh38, 1-based): chr1:111,778,497, A>G on the plus strand (T>C on the coding strand, the complement: KCND3 is on the minus strand). VCF-style: chr1-111778497-A-G. GRCh37 (hg19) VCF-style: chr1-112321119-A-G.
Other names: c.1462-1224T>C (NM_001378970.1, NM_172198.3); c.1462-5T>C (NM_004980.5).
Identifiers: ClinVar variation 4844413 (VCV004844413.1).
Genomic context (GRCh38, chr1:111,778,497, plus strand): 5'-TTGATGGTGGAGGTTCGTACAGATAACAGGGGATCATCCACAAGATAGGACAACCCCTAC[A>G]GGACAACATGCCAACAGAAGATAAAAACACCATTGATTGTACATTCCAGCATTCCCAAGC-3'